The following is an entry in ClinVar:

ClinVar aggregate classification (germline): Uncertain significance (1 of 4 stars; one submission).

Conditions:
Primary ciliary dyskinesia. Also called: Ciliary dyskinesia. Identifiers: Orphanet 244, MedGen C0008780, MONDO:0016575, HP:0012265.

gnomAD v4.1: 4 of 1,613,976 alleles (0.00025%); highest among the groups gnomAD compares: Non-Finnish European, 0.00034%; no homozygotes.

Submission:

Labcorp Genetics (formerly Invitae), Labcorp
Classification: Uncertain significance for Primary ciliary dyskinesia. Last evaluated: 2023-03-20. Review status: criteria provided, single submitter. Criteria: Invitae Variant Classification Sherloc (09022015). Collection method: clinical testing. Allele origin: germline.
Comment: In summary, the available evidence is currently insufficient to determine the role of this variant in disease. Therefore, it has been classified as a Variant of Uncertain Significance. Advanced modeling of protein sequence and biophysical properties (such as structural, functional, and spatial information, amino acid conservation, physicochemical variation, residue mobility, and thermodynamic stability) performed at Invitae indicates that this missense variant is not expected to disrupt CCDC40 protein function. This variant has not been reported in the literature in individuals affected with CCDC40-related conditions. This variant is not present in population databases (gnomAD no frequency). This sequence change replaces arginine, which is basic and polar, with histidine, which is basic and polar, at codon 1006 of the CCDC40 protein (p.Arg1006His).

NM_017950.4(CCDC40):c.3017G>A (p.Arg1006His)

Gene: CCDC40 (coiled-coil domain 40 molecular ruler complex subunit; plus strand). Cytogenetic location: 17q25.3.
Variant type: single nucleotide variant.
Coding change: c.3017G>A on transcript NM_017950.4 (MANE Select); coding-DNA position 3017, G replaced by A.
Protein change: p.Arg1006His; replaces arginine 1006 with histidine.
Molecular consequence: missense variant.
Genome position (GRCh38, 1-based): chr17:80,095,447, G>A. VCF-style: chr17-80095447-G-A. GRCh37 (hg19) VCF-style: chr17-78069246-G-A.
Other names: short protein forms R1006H.
Identifiers: ClinVar variation 2968586 (VCV002968586.3), dbSNP rs761029623, ClinGen allele CA401355403.